The following is an entry in ClinVar:

ClinVar aggregate classification (germline): Uncertain significance (1 of 4 stars; one submission).

Submission:

Ambry Genetics
Classification: Uncertain significance. Last evaluated: 2024-09-21. Review status: criteria provided, single submitter. Criteria: Ambry Variant Classification Scheme 2023. Collection method: clinical testing. Allele origin: germline.
Comment: The p.R254Q variant (also known as c.761G>A), located in coding exon 7 of the KIF1B gene, results from a G to A substitution at nucleotide position 761. The arginine at codon 254 is replaced by glutamine, an amino acid with highly similar properties. This amino acid position is highly conserved in available vertebrate species. In addition, this alteration is predicted to be deleterious by in silico analysis. Since supporting evidence is limited at this time, the clinical significance of this alteration remains unclear.

NM_001365951.3(KIF1B):c.761G>A (p.Arg254Gln)

Gene: KIF1B (kinesin family member 1B; plus strand). Cytogenetic location: 1p36.22.
Variant type: single nucleotide variant.
Coding change: c.761G>A on transcript NM_001365951.3 (MANE Select); coding-DNA position 761, G replaced by A.
Protein change: p.Arg254Gln; replaces arginine 254 with glutamine.
Molecular consequence: missense variant.
Genome position (GRCh38, 1-based): chr1:10,271,542, G>A. VCF-style: chr1-10271542-G-A. GRCh37 (hg19) VCF-style: chr1-10331600-G-A.
Other names: c.761G>A, p.Arg254Gln (NM_001365952.1, NM_001365953.1, NM_015074.3 and 1 more transcripts); short protein forms R254Q.
Identifiers: ClinVar variation 1759838 (VCV001759838.3), dbSNP rs2521097105, ClinGen allele CA338331456.